The following is an entry in ClinVar:

NM_000130.5(F5):c.1939C>T (p.Arg647Cys)

Gene: F5 (coagulation factor V; minus strand). Cytogenetic location: 1q24.2.
Variant type: single nucleotide variant.
Coding change: c.1939C>T on transcript NM_000130.5 (MANE Select); coding-DNA position 1939, C replaced by T.
Protein change: p.Arg647Cys; replaces arginine 647 with cysteine.
Molecular consequence: missense variant.
Genome position (GRCh38, 1-based): chr1:169,544,332, G>A on the plus strand (C>T on the coding strand, the complement: F5 is on the minus strand). VCF-style: chr1-169544332-G-A. GRCh37 (hg19) VCF-style: chr1-169513570-G-A.
Other names: short protein forms R647C.
Identifiers: ClinVar variation 4796474 (VCV004796474.1).

ClinVar aggregate classification (germline): Likely benign (1 of 4 stars; one submission).

Conditions:
Congenital factor V deficiency. Also called: LABILE FACTOR DEFICIENCY; OWREN PARAHEMOPHILIA; PARAHEMOPHILIA; Hereditary factor V deficiency disease. Identifiers: Orphanet 326, MedGen C0015499, MONDO:0009210, OMIM 227400.

gnomAD v4.1: 47 of 1,613,968 alleles (0.0029%); highest among the groups gnomAD compares: South Asian, 0.027%; no homozygotes.

Submission:

Centre for Medical Genetics,  Mumbai
Classification: Likely benign for Congenital factor V deficiency. Last evaluated: 2026-02-20. Review status: criteria provided, single submitter. Criteria: ACMG Guidelines, 2015. Collection method: provider interpretation. Allele origin: germline. Inheritance: Autosomal recessive inheritance. Affected: no. Observed: 1 homozygote.
Comment: The variant satisfies PM2 criteria; extremely low frequency in gnomAD population databases. However, the variant satisfies BS2 criteria.

Literature cited by the submitters: PubMed 9576178.